The following is an entry in ClinVar:

ClinVar aggregate classification (germline): Conflicting classifications of pathogenicity. Review status: criteria provided, conflicting classifications (1 of 4 stars). 8 submissions from 7 submitters: Uncertain significance (6); Likely benign (2). Last evaluated 2026-01-19.

Conditions:
PKHD1-related disorder. Also called: PKHD1-related condition.
Autosomal recessive polycystic kidney disease (ARPKD). Also called: AR polycystic kidney disease. Identifiers: Orphanet 731, Orphanet 8378, MedGen C0085548, MeSH D017044, MONDO:0009889.
Polycystic kidney disease 4 (PKD4). Also called: POLYCYSTIC KIDNEY AND HEPATIC DISEASE 1; POLYCYSTIC KIDNEY DISEASE, INFANTILE, TYPE I; POLYCYSTIC KIDNEY DISEASE 4 WITH OR WITHOUT POLYCYSTIC LIVER DISEASE; PKD3; Autosomal Recessive Polycystic Kidney Disease – PKHD1. Identifiers: MedGen C4540575, MONDO:0033004, OMIM 263200.

Allele frequency attached by ClinVar (database versions not stated): gnomAD exomes 0.00007; ExAC 0.00008; 1000 Genomes Project 30x 0.00016; 1000 Genomes Project 0.00020; ESP Exome Variant Server 0.00023; TOPMed 0.00028; gnomAD 0.00032 and 0.00034.
gnomAD v4.1: 84 of 1,610,614 alleles (0.0052%); highest among the groups gnomAD compares: African/African-American, 0.097%; 1 homozygote.

Submissions (8):

Labcorp Genetics (formerly Invitae), Labcorp
Classification: Likely benign for Autosomal recessive polycystic kidney disease. Last evaluated: 2026-01-19. Review status: criteria provided, single submitter. Criteria: Invitae Variant Classification Sherloc (09022015). Collection method: clinical testing. Allele origin: germline.

PreventionGenetics, part of Exact Sciences
Classification: Uncertain significance for PKHD1-related condition. Last evaluated: 2025-07-20. Review status: criteria provided, single submitter. Criteria: ACMG Guidelines, 2015. Collection method: clinical testing. Allele origin: germline.
Comment: The PKHD1 c.2825G>C variant is predicted to result in the amino acid substitution p.Gly942Ala. To our knowledge, this variant has not been reported in the literature. This variant is reported in 0.11% of alleles in individuals of African descent in gnomAD, which may be too common to be a primary cause of disease. Although we suspect that this variant may be benign, at this time, the clinical significance of this variant is uncertain due to the absence of conclusive functional and genetic evidence.

Fulgent Genetics
Classification: Likely benign for Polycystic kidney disease 4. Last evaluated: 2024-02-21. Review status: criteria provided, single submitter. Criteria: ACMG Guidelines, 2015. Collection method: clinical testing. Allele origin: germline.

GeneDx
Classification: Uncertain significance. Last evaluated: 2023-10-30. Review status: criteria provided, single submitter. Criteria: GeneDx Variant Classification Process June 2021. Collection method: clinical testing. Allele origin: germline. Affected: yes.
Comment: In silico analysis supports that this missense variant does not alter protein structure/function; Has not been previously published as pathogenic or benign to our knowledge

Mayo Clinic Laboratories, Mayo Clinic
Classification: Uncertain significance. Last evaluated: 2022-01-03. Review status: criteria provided, single submitter. Criteria: ACMG Guidelines, 2015. Collection method: clinical testing. Allele origin: germline.

Fulgent Genetics
Classification: Uncertain significance for Polycystic kidney disease 4. Last evaluated: 2018-10-31. Review status: criteria provided, single submitter. Criteria: ACMG Guidelines, 2015. Collection method: clinical testing. Allele origin: unknown.

Illumina Laboratory Services, Illumina
Classification: Uncertain significance for Polycystic kidney disease 4. Last evaluated: 2018-01-12. Review status: criteria provided, single submitter. Criteria: ICSL Variant Classification Criteria 13 December 2019. Collection method: clinical testing. Allele origin: germline.

Eurofins Ntd Llc (ga)
Classification: Uncertain significance. Last evaluated: 2017-07-17. Review status: criteria provided, single submitter. Criteria: EGL Classification Definitions 2015. Collection method: clinical testing. Allele origin: germline. Observed: 5 variant alleles, 5 heterozygotes.

NM_138694.4(PKHD1):c.2825G>C (p.Gly942Ala)

Gene: PKHD1 (PKHD1 ciliary IPT domain containing fibrocystin/polyductin; minus strand). Cytogenetic location: 6p12.2.
Variant type: single nucleotide variant.
Coding change: c.2825G>C on transcript NM_138694.4 (MANE Select); coding-DNA position 2825, G replaced by C.
Protein change: p.Gly942Ala; replaces glycine 942 with alanine.
Molecular consequence: missense variant.
Genome position (GRCh38, 1-based): chr6:52,043,131, C>G on the plus strand (G>C on the coding strand, the complement: PKHD1 is on the minus strand). VCF-style: chr6-52043131-C-G. GRCh37 (hg19) VCF-style: chr6-51907929-C-G.
Other names: p.Gly942Ala; c.2825G>C, p.Gly942Ala (NM_170724.3); short protein forms G942A.
Identifiers: ClinVar variation 289890 (VCV000289890.30), dbSNP rs142205860, ClinGen allele CA3853094.